The following is an entry in ClinVar:

ClinVar aggregate classification (germline): Uncertain significance (1 of 4 stars; one submission).

Conditions:
Tuberous sclerosis 2 (TSC2). Identifiers: Orphanet 805, MedGen C1860707, MONDO:0013199, OMIM 613254.

Submission:

Labcorp Genetics (formerly Invitae), Labcorp
Classification: Uncertain significance for Tuberous sclerosis 2. Last evaluated: 2019-12-04. Review status: criteria provided, single submitter. Criteria: Invitae Variant Classification Sherloc (09022015). Collection method: clinical testing. Allele origin: germline.
Comment: This sequence change replaces threonine with serine at codon 1785 of the TSC2 protein (p.Thr1785Ser). The threonine residue is weakly conserved and there is a small physicochemical difference between threonine and serine. This variant is not present in population databases (ExAC no frequency). This variant has not been reported in the literature in individuals with a TSC2-related disease. Algorithms developed to predict the effect of missense changes on protein structure and function (SIFT, PolyPhen-2, Align-GVGD) all suggest that this variant is likely to be tolerated, but these predictions have not been confirmed by published functional studies and their clinical significance is uncertain. In summary, this variant has uncertain impact on TSC2 function. The available evidence is currently insufficient to determine its role in disease. Therefore, it has been classified as a Variant of Uncertain Significance.

NM_000548.5(TSC2):c.5353A>T (p.Thr1785Ser)

Gene: TSC2 (TSC complex subunit 2; plus strand). Cytogenetic location: 16p13.3.
Variant type: single nucleotide variant.
Coding change: c.5353A>T on transcript NM_000548.5 (MANE Select); coding-DNA position 5353, A replaced by T.
Protein change: p.Thr1785Ser; replaces threonine 1785 with serine.
Molecular consequence: missense variant.
Genome position (GRCh38, 1-based): chr16:2,088,539, A>T. VCF-style: chr16-2088539-A-T. GRCh37 (hg19) VCF-style: chr16-2138540-A-T.
Other names: c.5152A>T, p.Thr1718Ser (NM_001077183.3); c.5284A>T, p.Thr1762Ser (NM_001114382.3); c.5044A>T, p.Thr1682Ser (NM_001318827.2); c.5008A>T, p.Thr1670Ser (NM_001318829.2); c.4621A>T, p.Thr1541Ser (NM_001318831.2); c.5185A>T, p.Thr1729Ser (NM_001318832.2); c.5212A>T, p.Thr1738Ser (NM_001370405.1); c.5224A>T, p.Thr1742Ser (NM_021055.3); and 2 more; short protein forms T1785S, T1762S, T1541S, T1670S, T1729S, T1741S, T1742S, T1682S.
Identifiers: ClinVar variation 468164 (VCV000468164.8), dbSNP rs1555441455, ClinGen allele CA394315746.
Genomic context (GRCh38, chr16:2,088,539, plus strand): 5'-CTACCTCTGGTGCACCCTCCGTCCCATAGCAAAGCCCCTGCACAGACTCCAGCCGAGCCC[A>T]CACCTGGCTATGAGGTGGGCCAGCGGAAGCGCCTCATCTCCTCGGTGGAGGACTTCACCG-3'
Protein context (NP_000539.2, residues 1775-1795): KAPAQTPAEP[Thr1785Ser]PGYEVGQRKR